The following is an entry in ClinVar:

NM_007259.5(VPS45):c.926C>G (p.Ala309Gly)

Gene: VPS45 (vacuolar protein sorting 45 homolog; plus strand). Cytogenetic location: 1q21.2.
Variant type: single nucleotide variant.
Coding change: c.926C>G on transcript NM_007259.5 (MANE Select); coding-DNA position 926, C replaced by G.
Protein change: p.Ala309Gly; replaces alanine 309 with glycine.
Molecular consequence: missense variant. On other transcripts: non-coding transcript variant (1).
Genome position (GRCh38, 1-based): chr1:150,081,987, C>G. VCF-style: chr1-150081987-C-G. GRCh37 (hg19) VCF-style: chr1-150054069-C-G.
Other names: c.611C>G, p.Ala204Gly (NM_001279353.2); c.818C>G, p.Ala273Gly (NM_001279354.2); short protein forms A273G, A309G, A204G.
Identifiers: ClinVar variation 3650442 (VCV003650442.2).
Genomic context (GRCh38, chr1:150,081,987, plus strand): 5'-ATCTCATGGAAGATTTTCAGAAGAAGAAACCAAAAGAACAGCAAAAACTAGAATCAATAG[C>G]AGACATGAAGGTAAATTGAACATGTACATGAATGACAAACATGTGACAGTTTGGTACTAT-3'
Protein context (NP_009190.2, residues 299-319): PKEQQKLESI[Ala309Gly]DMKAFVENYP

ClinVar aggregate classification (germline): Uncertain significance (1 of 4 stars; one submission).

Conditions:
Congenital neutropenia-myelofibrosis-nephromegaly syndrome. Also called: Severe congenital neutropenia 5, autosomal recessive. Identifiers: Orphanet 369852, MedGen C3809031, MONDO:0014118, OMIM 615285.

Submission:

Labcorp Genetics (formerly Invitae), Labcorp
Classification: Uncertain significance for Congenital neutropenia-myelofibrosis-nephromegaly syndrome. Last evaluated: 2024-04-19. Review status: criteria provided, single submitter. Criteria: Invitae Variant Classification Sherloc (09022015). Collection method: clinical testing. Allele origin: germline.
Comment: This sequence change replaces alanine, which is neutral and non-polar, with glycine, which is neutral and non-polar, at codon 309 of the VPS45 protein (p.Ala309Gly). The frequency data for this variant in the population databases is considered unreliable, as metrics indicate poor data quality at this position in the gnomAD database. This variant has not been reported in the literature in individuals affected with VPS45-related conditions. Advanced modeling of protein sequence and biophysical properties (such as structural, functional, and spatial information, amino acid conservation, physicochemical variation, residue mobility, and thermodynamic stability) performed at Invitae indicates that this missense variant is not expected to disrupt VPS45 protein function with a negative predictive value of 80%. In summary, the available evidence is currently insufficient to determine the role of this variant in disease. Therefore, it has been classified as a Variant of Uncertain Significance.